The following is an entry in ClinVar:

ClinVar aggregate classification (germline): Uncertain significance (1 of 4 stars; one submission).

Conditions:
Early Myoclonic Encephalopathy. Identifiers: MedGen C0270855.

gnomAD v4.1: 3 of 1,613,026 alleles (0.00019%); highest among the groups gnomAD compares: South Asian, 0.0033%; no homozygotes.

Submission:

Labcorp Genetics (formerly Invitae), Labcorp
Classification: Uncertain significance for Early Myoclonic Encephalopathy. Last evaluated: 2024-03-25. Review status: criteria provided, single submitter. Criteria: Invitae Variant Classification Sherloc (09022015). Collection method: clinical testing. Allele origin: germline.
Comment: This sequence change replaces valine, which is neutral and non-polar, with phenylalanine, which is neutral and non-polar, at codon 2459 of the JMJD1C protein (p.Val2459Phe). This variant is present in population databases (rs779799691, gnomAD 0.003%). This variant has not been reported in the literature in individuals affected with JMJD1C-related conditions. Advanced modeling of protein sequence and biophysical properties (such as structural, functional, and spatial information, amino acid conservation, physicochemical variation, residue mobility, and thermodynamic stability) performed at Invitae indicates that this missense variant is not expected to disrupt JMJD1C protein function with a negative predictive value of 80%. In summary, the available evidence is currently insufficient to determine the role of this variant in disease. Therefore, it has been classified as a Variant of Uncertain Significance.

NM_032776.3(JMJD1C):c.7375G>T (p.Val2459Phe)

Gene: JMJD1C (jumonji domain containing 1C; minus strand). Cytogenetic location: 10q21.3.
Variant type: single nucleotide variant.
Coding change: c.7375G>T on transcript NM_032776.3 (MANE Select); coding-DNA position 7375, G replaced by T.
Protein change: p.Val2459Phe; replaces valine 2459 with phenylalanine.
Molecular consequence: missense variant. On other transcripts: non-coding transcript variant (1).
Genome position (GRCh38, 1-based): chr10:63,176,323, C>A on the plus strand (G>T on the coding strand, the complement: JMJD1C is on the minus strand). VCF-style: chr10-63176323-C-A. GRCh37 (hg19) VCF-style: chr10-64936083-C-A.
Other names: c.6829G>T, p.Val2277Phe (NM_001282948.2, NM_001318154.2); c.6511G>T, p.Val2171Phe (NM_001318153.2); c.7261G>T, p.Val2421Phe (NM_001322252.2); c.6718G>T, p.Val2240Phe (NM_001322254.2, NM_001322258.2); short protein forms V2171F, V2421F, V2277F, V2459F, V2240F.
Identifiers: ClinVar variation 3699381 (VCV003699381.2).